The following is an entry in ClinVar:

NM_175875.5(SIX5):c.15T>G (p.Pro5=)

Genes: SIX5 (SIX homeobox 5; minus strand), DM1-AS (DM1 locus antisense RNA; plus strand), LOC107075317 (origin of replication in DMPK trinucleotide repeat region; plus strand). Cytogenetic location: 19q13.32.
Variant type: single nucleotide variant.
Coding change: c.15T>G on transcript NM_175875.5 (MANE Select); coding-DNA position 15, T replaced by G.
Protein change: p.Pro5=; no amino-acid change (proline 5 retained).
Molecular consequence: synonymous variant.
Genome position (GRCh38, 1-based): chr19:45,768,830, A>C on the plus strand (T>G on the coding strand, the complement: SIX5 is on the minus strand). VCF-style: chr19-45768830-A-C. GRCh37 (hg19) VCF-style: chr19-46272088-A-C.
Other names: c.15T>G (NM_175875.4).
Identifiers: ClinVar variation 1580218 (VCV001580218.11), dbSNP rs1366167968, ClinGen allele CA507962139.

ClinVar aggregate classification (germline): Likely benign. Review status: criteria provided, multiple submitters, no conflicts (2 of 4 stars). 4 submissions from 4 submitters: Likely benign (4). Last evaluated 2025-03-29.

Conditions:
Branchiootorenal syndrome 2 (BOR2). Identifiers: Orphanet 107, MedGen C1970479, MONDO:0012575, OMIM 610896.
SIX5-related disorder. Also called: SIX5-related condition.

Allele frequency attached by ClinVar (database versions not stated): gnomAD 0.00003 and 0.00004; gnomAD exomes 0.00006 and 0.00009.
gnomAD v4.1: 130 of 1,523,006 alleles (0.0085%); highest among the groups gnomAD compares: Non-Finnish European, 0.011%; no homozygotes.

Submissions (4):

PreventionGenetics, part of Exact Sciences
Classification: Likely benign for SIX5-related condition. Last evaluated: 2025-03-29. Review status: criteria provided, single submitter. Criteria: ACMG Guidelines, 2015. Collection method: clinical testing. Allele origin: germline.
Comment: This variant is classified as likely benign based on ACMG/AMP sequence variant interpretation guidelines (Richards et al. 2015 PMID: 25741868, with internal and published modifications).

Blueprint Genetics
Classification: Likely benign. Last evaluated: 2024-11-08. Review status: criteria provided, single submitter. Criteria: ACMG Guidelines, 2015. Collection method: clinical testing. Allele origin: germline.

Labcorp Genetics (formerly Invitae), Labcorp
Classification: Likely benign. Last evaluated: 2024-05-10. Review status: criteria provided, single submitter. Criteria: Invitae Variant Classification Sherloc (09022015). Collection method: clinical testing. Allele origin: germline.

Fulgent Genetics
Classification: Likely benign for Branchiootorenal syndrome 2. Last evaluated: 2022-01-17. Review status: criteria provided, single submitter. Criteria: ACMG Guidelines, 2015. Collection method: clinical testing. Allele origin: unknown.